The following is an entry in ClinVar:

ClinVar aggregate classification (germline): Benign (1 of 4 stars; one submission).

Submission:

CeGaT Center for Human Genetics Tuebingen
Classification: Benign. Last evaluated: 2025-07-01. Review status: criteria provided, single submitter. Criteria: CeGaT Center For Human Genetics Tuebingen Variant Classification Criteria Version 2. Collection method: clinical testing. Allele origin: germline. Affected: yes. Observed: 1 variant allele.
Comment: MAPK8IP1: BS1, BS2

NM_005456.4(MAPK8IP1):c.739C>T (p.Pro247Ser)

Gene: MAPK8IP1 (mitogen-activated protein kinase 8 interacting protein 1; plus strand). Cytogenetic location: 11p11.2.
Variant type: single nucleotide variant.
Coding change: c.739C>T on transcript NM_005456.4 (MANE Select); coding-DNA position 739, C replaced by T.
Protein change: p.Pro247Ser; replaces proline 247 with serine.
Molecular consequence: missense variant.
Genome position (GRCh38, 1-based): chr11:45,902,506, C>T. VCF-style: chr11-45902506-C-T. GRCh37 (hg19) VCF-style: chr11-45924057-C-T.
Other names: short protein forms P247S.
Identifiers: ClinVar variation 4083643 (VCV004083643.8).